The following is an entry in ClinVar:

NM_000051.4(ATM):c.8390del (p.Ser2797fs)

Genes: ATM (ATM serine/threonine kinase; plus strand), C11orf65 (chromosome 11 open reading frame 65; minus strand). Cytogenetic location: 11q22.3.
Variant type: Deletion.
Coding change: c.8390del on transcript NM_000051.4 (MANE Select); coding-DNA position 8390, one base deleted (G; older notation c.8390delG).
Protein change: p.Ser2797fs; shifts the reading frame from serine 2797.
Molecular consequence: frameshift variant. On other transcripts: intron variant (2).
Genome position (GRCh38, 1-based): chr11:108,343,343, G deleted. VCF-style (leftmost placement, unchanged base first): chr11-108343342-AG-A. GRCh37 (hg19) VCF-style: chr11-108214069-AG-A.
Other names: c.8390del, p.Ser2797fs (NM_001351834.2); c.641-34272del (NM_001330368.2); c.695-8051del (NM_001351110.2); short protein forms S2797fs.
Identifiers: ClinVar variation 4866919 (VCV004866919.1).

ClinVar aggregate classification (germline): Likely pathogenic (1 of 4 stars; one submission).

Conditions:
Hereditary cancer-predisposing syndrome. Also called: Tumor predisposition; Hereditary neoplastic syndrome; Hereditary Cancer Syndrome; Neoplastic Syndromes, Hereditary. Identifiers: Orphanet 140162, MedGen C0027672, MeSH D009386, MONDO:0015356.

Submission:

Ambry Genetics
Classification: Likely pathogenic for Hereditary cancer-predisposing syndrome. Last evaluated: 2026-05-18. Review status: criteria provided, single submitter. Criteria: Ambry Variant Classification Scheme 2023. Collection method: clinical testing. Allele origin: germline.
Comment: The c.8390delG variant, located in coding exon 56 of the ATM gene, results from a deletion of one nucleotide at nucleotide position 8390, causing a translational frameshift with a predicted alternate stop codon (p.S2797Mfs*9). This variant occurs at the 3' terminus of the gene, is not expected to trigger nonsense-mediated mRNA decay, and impacts the last 8% of the protein. However, premature stop codons are typically deleterious in nature and the impacted region is critical for protein function (Ambry internal data). This variant is considered to be rare based on population cohorts in the Genome Aggregation Database (gnomAD). Based on the majority of available evidence to date, this variant is likely to be pathogenic.